The following is an entry in ClinVar:

ClinVar aggregate classification (germline): Uncertain significance (1 of 4 stars; one submission).

Conditions:
Malignant hyperthermia, susceptibility to, 1 (MHS1). Also called: Anesthesia related hyperthermia; Malignant hyperpyrexia; Fulminating hyperpyrexia; Pharmacogenic myopathy; Malignant hyperthermia suceptibility 1; RYR1-Related Malignant Hyperthermia Susceptibility. Identifiers: Orphanet 423, MedGen C2930980, MONDO:0007783, OMIM 145600.

Submission:

All of Us Research Program, National Institutes of Health
Classification: Uncertain significance for Malignant hyperthermia, susceptibility to, 1. Last evaluated: 2024-05-14. Review status: criteria provided, single submitter. Criteria: ACMG Guidelines, 2015. Collection method: clinical testing. Allele origin: germline. Inheritance: Autosomal dominant inheritance. Observed: 1 variant allele, 1 heterozygote.
Comment: This variant causes a G to A nucleotide substitution at the +3 position of intron 101 of the RYR1 gene. To our knowledge, functional studies have not been reported for this variant. This variant has not been reported in individuals affected with RYR1-related disorders in the literature. This variant has not been identified in the general population by the Genome Aggregation Database (gnomAD). The available evidence is insufficient to determine the role of this variant in disease conclusively. Therefore, this variant is classified as a Variant of Uncertain Significance.

This study involves interpretation of variants in research participants for the purpose of population health screening. Participant phenotype was not available at the time of variant classification. Additional details can be found in publication PMID: 35346344, PMCID: PMC8962531

NM_000540.3(RYR1):c.14646+3G>A

Gene: RYR1 (ryanodine receptor 1; plus strand). Cytogenetic location: 19q13.2.
Variant type: single nucleotide variant.
Coding change: c.14646+3G>A on transcript NM_000540.3 (MANE Select); 3 bases into the intron after coding-DNA position 14646, G replaced by A.
Molecular consequence: intron variant.
Genome position (GRCh38, 1-based): chr19:38,580,507, G>A. VCF-style: chr19-38580507-G-A. GRCh37 (hg19) VCF-style: chr19-39071147-G-A.
Other names: c.14631+3G>A (NM_001042723.2).
Identifiers: ClinVar variation 3385630 (VCV003385630.1).